The following is an entry in ClinVar:

NM_006270.5(RRAS):c.53G>T (p.Gly18Val)

Gene: RRAS (RAS related; minus strand). Cytogenetic location: 19q13.33.
Variant type: single nucleotide variant.
Coding change: c.53G>T on transcript NM_006270.5 (MANE Select); coding-DNA position 53, G replaced by T.
Protein change: p.Gly18Val; replaces glycine 18 with valine.
Molecular consequence: missense variant.
Genome position (GRCh38, 1-based): chr19:49,640,046, C>A on the plus strand (G>T on the coding strand, the complement: RRAS is on the minus strand). VCF-style: chr19-49640046-C-A. GRCh37 (hg19) VCF-style: chr19-50143303-C-A.
Other names: short protein forms G18V.
Identifiers: ClinVar variation 1747302 (VCV001747302.3), dbSNP rs1447937831, ClinGen allele CA406849947.
Genomic context (GRCh38, chr19:49,640,046, plus strand): 5'-CCGCCGCCCACGACCACCAGCTTGTGTGTCTCGCTGGGCGGGGGGTCCCCGGGCCCAGGT[C>A]CCCCGCCCCGGGGCCGCCCCCGCCCTGTCCCGGACGCCGCCCCGCTGCTCATGTCGCCAC-3'
Protein context (NP_006261.1, residues 8-28): GTGRGRPRGG[Gly18Val]PGPGDPPPSE

ClinVar aggregate classification (germline): Uncertain significance (1 of 4 stars; one submission).

Submission:

Ambry Genetics
Classification: Uncertain significance. Last evaluated: 2024-10-21. Review status: criteria provided, single submitter. Criteria: Ambry Variant Classification Scheme 2023. Collection method: clinical testing. Allele origin: germline.
Comment: The p.G18V variant (also known as c.53G>T), located in coding exon 1 of the RRAS gene, results from a G to T substitution at nucleotide position 53. The glycine at codon 18 is replaced by valine, an amino acid with dissimilar properties. This amino acid position is conserved. In addition, this alteration is predicted to be tolerated by in silico analysis. Since supporting evidence is limited at this time, the clinical significance of this alteration remains unclear.